The following is an entry in ClinVar:

ClinVar aggregate classification (germline): Uncertain significance. Review status: criteria provided, multiple submitters, no conflicts (2 of 4 stars). 3 submissions from 3 submitters: Uncertain significance (3). Last evaluated 2025-04-06.

Allele frequency attached by ClinVar (database versions not stated): gnomAD exomes 0.00021; ExAC 0.00092.
gnomAD v4.1: 565 of 1,404,138 alleles (0.04%); highest among the groups gnomAD compares: Non-Finnish European, 0.049%; no homozygotes.

Submissions (3):

Labcorp Genetics (formerly Invitae), Labcorp
Classification: Uncertain significance. Last evaluated: 2025-04-06. Review status: criteria provided, single submitter. Criteria: Invitae Variant Classification Sherloc (09022015). Collection method: clinical testing. Allele origin: germline.
Comment: This sequence change replaces glycine, which is neutral and non-polar, with arginine, which is basic and polar, at codon 82 of the MESP1 protein (p.Gly82Arg). This variant is present in population databases (rs770170468, gnomAD 0.05%). This variant has not been reported in the literature in individuals affected with MESP1-related conditions. ClinVar contains an entry for this variant (Variation ID: 1388855). An algorithm developed to predict the effect of missense changes on protein structure and function (PolyPhen-2) suggests that this variant is likely to be disruptive. In summary, the available evidence is currently insufficient to determine the role of this variant in disease. Therefore, it has been classified as a Variant of Uncertain Significance.

Ambry Genetics
Classification: Uncertain significance. Last evaluated: 2021-09-17. Review status: criteria provided, single submitter. Criteria: Ambry Variant Classification Scheme 2023. Collection method: clinical testing. Allele origin: germline.

Breakthrough Genomics
Classification: Uncertain significance. Review status: criteria provided, single submitter. Criteria: ACMG Guidelines, 2015. Collection method: not provided. Allele origin: germline. Inheritance: Unknown mechanism. Affected: yes.

NM_018670.4(MESP1):c.244G>C (p.Gly82Arg)

Genes: MESP1 (mesoderm posterior bHLH transcription factor 1; minus strand), LOC130057889 (ATAC-STARR-seq lymphoblastoid silent region 6804; plus strand). Cytogenetic location: 15q26.1.
Variant type: single nucleotide variant.
Coding change: c.244G>C on transcript NM_018670.4 (MANE Select); coding-DNA position 244, G replaced by C.
Protein change: p.Gly82Arg; replaces glycine 82 with arginine.
Molecular consequence: missense variant.
Genome position (GRCh38, 1-based): chr15:89,750,988, C>G on the plus strand (G>C on the coding strand, the complement: MESP1 is on the minus strand). VCF-style: chr15-89750988-C-G. GRCh37 (hg19) VCF-style: chr15-90294219-C-G.
Other names: c.244G>C (NM_018670.3); short protein forms G82R.
Identifiers: ClinVar variation 1388855 (VCV001388855.10), dbSNP rs770170468, ClinGen allele CA7730265.